The following is an entry in ClinVar:

ClinVar aggregate classification (germline): Likely pathogenic. Review status: criteria provided, multiple submitters, no conflicts (2 of 4 stars). 3 submissions from 3 submitters: Likely pathogenic (3). Last evaluated 2026-07-21.

Conditions:
Familial adenomatous polyposis 4 (FAP4). Also called: MSH3-related attenuated familial adenomatous polyposis. Identifiers: Orphanet 480536, MedGen C4310719, MONDO:0044300, OMIM 617100.
Hereditary cancer-predisposing syndrome. Also called: Tumor predisposition; Hereditary neoplastic syndrome; Neoplastic Syndromes, Hereditary; Hereditary Cancer Syndrome. Identifiers: Orphanet 140162, MedGen C0027672, MeSH D009386, MONDO:0015356.

Submissions (3):

Ambry Genetics
Classification: Likely pathogenic for Hereditary cancer-predisposing syndrome. Last evaluated: 2026-07-21. Review status: criteria provided, single submitter. Criteria: Ambry Variant Classification Scheme 2023. Collection method: clinical testing. Allele origin: germline.
Comment: The c.3000+1G>T intronic variant results from a G to T substitution one nucleotide after coding exon 21 of the MSH3 gene. This variant is considered to be rare based on population cohorts in the Genome Aggregation Database (gnomAD). This nucleotide position is highly conserved in available vertebrate species. In silico splice site analysis predicts that this alteration will weaken the native splice donor site and may result in the creation or strengthening of a novel splice donor site. Alterations that disrupt the canonical splice site are expected to cause aberrant splicing, resulting in an abnormal protein or a transcript that is subject to nonsense-mediated mRNA decay. As such, this alteration is classified as likely pathogenic.

Myriad Genetics, Inc.
Classification: Likely pathogenic for Familial adenomatous polyposis 4. Last evaluated: 2026-07-16. Review status: criteria provided, single submitter. Criteria: Myriad Autosomal Dominant, Autosomal Recessive and X-Linked Classification Criteria (2023). Collection method: clinical testing. Allele origin: unknown.
Comment: This variant is considered likely pathogenic. This variant occurs within a consensus splice junction and is predicted to result in abnormal mRNA splicing of either an out-of-frame exon or an in-frame exon necessary for protein stability and/or normal function.

Labcorp Genetics (formerly Invitae), Labcorp
Classification: Likely pathogenic. Last evaluated: 2020-02-20. Review status: criteria provided, single submitter. Criteria: Invitae Variant Classification Sherloc (09022015). Collection method: clinical testing. Allele origin: germline.
Comment: In summary, the currently available evidence indicates that the variant is pathogenic, but additional data are needed to prove that conclusively. Therefore, this variant has been classified as Likely Pathogenic. Donor and acceptor splice site variants typically lead to a loss of protein function (PMID: 16199547), and loss-of-function variants in MSH3 are known to be pathogenic (PMID: 27476653). Algorithms developed to predict the effect of sequence changes on RNA splicing suggest that this variant may disrupt the consensus splice site, but this prediction has not been confirmed by published transcriptional studies. This variant has not been reported in the literature in individuals with MSH3-related conditions. This variant is not present in population databases (ExAC no frequency). This sequence change affects a donor splice site in intron 21 of the MSH3 gene. It is expected to disrupt RNA splicing and likely results in an absent or disrupted protein product.

Literature cited by the submitters: PubMed 16199547 (cited by Labcorp Genetics (formerly Invitae), Labcorp); PubMed 27476653 (cited by Labcorp Genetics (formerly Invitae), Labcorp).

NM_002439.5(MSH3):c.3000+1G>T

Gene: MSH3 (mutS homolog 3; plus strand). Cytogenetic location: 5q14.1.
Variant type: single nucleotide variant.
Coding change: c.3000+1G>T on transcript NM_002439.5 (MANE Select); the canonical splice donor site of the intron after coding-DNA position 3000, G replaced by T.
Molecular consequence: splice donor variant.
Genome position (GRCh38, 1-based): chr5:80,854,317, G>T. VCF-style: chr5-80854317-G-T. GRCh37 (hg19) VCF-style: chr5-80150136-G-T.
Other names: c.3000+1G>T (NM_002439.3).
Identifiers: ClinVar variation 1067897 (VCV001067897.10), dbSNP rs2112106713, ClinGen allele CA360275867.